The following is an entry in ClinVar:

ClinVar aggregate classification (germline): Uncertain significance (1 of 4 stars; one submission).

Conditions:
Inborn genetic diseases. Identifiers: MedGen C0950123, MeSH D030342.

gnomAD v4.1: 7 of 1,614,108 alleles (0.00043%); highest among the groups gnomAD compares: Non-Finnish European, 0.00051%; no homozygotes.

Submission:

Ambry Genetics
Classification: Uncertain significance for Inborn genetic diseases. Last evaluated: 2021-07-13. Review status: criteria provided, single submitter. Criteria: Ambry Variant Classification Scheme 2023. Collection method: clinical testing. Allele origin: germline.
Comment: The p.D2538Y variant (also known as c.7612G>T), located in coding exon 24 of the SETX gene, results from a G to T substitution at nucleotide position 7612. The aspartic acid at codon 2538 is replaced by tyrosine, an amino acid with highly dissimilar properties. This amino acid position is conserved. In addition, this alteration is predicted to be deleterious by in silico analysis. Since supporting evidence is limited at this time, the clinical significance of this alteration remains unclear.

NM_015046.7(SETX):c.7612G>T (p.Asp2538Tyr)

Gene: SETX (senataxin; minus strand). Cytogenetic location: 9q34.13.
Variant type: single nucleotide variant.
Coding change: c.7612G>T on transcript NM_015046.7 (MANE Select); coding-DNA position 7612, G replaced by T.
Protein change: p.Asp2538Tyr; replaces aspartic acid 2538 with tyrosine.
Molecular consequence: missense variant.
Genome position (GRCh38, 1-based): chr9:132,264,661, C>A on the plus strand (G>T on the coding strand, the complement: SETX is on the minus strand). VCF-style: chr9-132264661-C-A. GRCh37 (hg19) VCF-style: chr9-135140048-C-A.
Other names: c.7612G>T, p.Asp2538Tyr (NM_001351527.2); c.7699G>T, p.Asp2567Tyr (NM_001351528.2); short protein forms D2567Y, D2538Y.
Identifiers: ClinVar variation 1759812 (VCV001759812.2), dbSNP rs1473906430, ClinGen allele CA375324319.